The following is an entry in ClinVar:

NM_181523.3(PIK3R1):c.687G>A (p.Ser229=)

Gene: PIK3R1 (phosphoinositide-3-kinase regulatory subunit 1; plus strand). Cytogenetic location: 5q13.1.
Variant type: single nucleotide variant.
Coding change: c.687G>A on transcript NM_181523.3 (MANE Select); coding-DNA position 687, G replaced by A.
Protein change: p.Ser229=; no amino-acid change (serine 229 retained).
Molecular consequence: synonymous variant.
Genome position (GRCh38, 1-based): chr5:68,280,580, G>A. VCF-style: chr5-68280580-G-A. GRCh37 (hg19) VCF-style: chr5-67576408-G-A.
Other names: p.Ser229=.
Identifiers: ClinVar variation 463167 (VCV000463167.54), dbSNP rs34175949, ClinGen allele CA3290125.

ClinVar aggregate classification (germline): Benign/Likely benign. Review status: criteria provided, multiple submitters, no conflicts (2 of 4 stars). 8 submissions from 8 submitters: Benign (1); Likely benign (5). 2 of the submissions do not count toward it. Last evaluated 2026-01-26.

Conditions:
SHORT syndrome. Also called: PIK3R1-Related SHORT Syndrome; LIPODYSTROPHY, PARTIAL, WITH RIEGER ANOMALY AND SHORT STATURE; SHORT STATURE, HYPEREXTENSIBILITY, HERNIA, OCULAR DEPRESSION, RIEGER ANOMALY, AND TEETHING DELAY. Identifiers: Orphanet 3163, MedGen C0878684, MONDO:0010026, OMIM 269880.
Agammaglobulinemia 7, autosomal recessive (AGM7). Also called: AGAMMAGLOBULINEMIA, AUTOSOMAL RECESSIVE, DUE TO PIK3R1 DEFECT. Identifiers: MedGen C3554689, MONDO:0014083, OMIM 615214.
Immunodeficiency 36 with lymphoproliferation. Also called: ACTIVATED PI3K-DELTA SYNDROME 2; Immunodeficiency 36; Activated PI3K Delta Syndrome Type 2 (APDS2). Identifiers: Orphanet 397596, Orphanet 693681, MedGen C4014934, MONDO:0014453, OMIM 616005.

Allele frequency attached by ClinVar (database versions not stated): 1000 Genomes Project 0.00120; 1000 Genomes Project 30x 0.00125; ESP Exome Variant Server 0.00138; gnomAD 0.00140; TOPMed 0.00157; gnomAD exomes 0.00166 and 0.00171; ExAC 0.00186.
gnomAD v4.1: 2,648 of 1,612,370 alleles (0.16%); highest among the groups gnomAD compares: South Asian, 0.2%; 4 homozygotes.

Submissions (8):

Labcorp Genetics (formerly Invitae), Labcorp
Classification: Benign for SHORT syndrome; Immunodeficiency 36 with lymphoproliferation; Agammaglobulinemia 7, autosomal recessive. Last evaluated: 2026-01-26. Review status: criteria provided, single submitter. Criteria: Invitae Variant Classification Sherloc (09022015). Collection method: clinical testing. Allele origin: germline.

Mayo Clinic Laboratories, Mayo Clinic
Classification: Likely benign. Last evaluated: 2025-04-09. Review status: criteria provided, single submitter. Criteria: ACMG Guidelines, 2015. Collection method: clinical testing. Allele origin: germline. Observed: 2 variant alleles.
Comment: BS1, BP4, BP7

CeGaT Center for Human Genetics Tuebingen
Classification: Likely benign. Last evaluated: 2025-02-01. Review status: criteria provided, single submitter. Criteria: CeGaT Center For Human Genetics Tuebingen Variant Classification Criteria Version 2. Collection method: clinical testing. Allele origin: germline. Affected: yes. Observed: 4 variant alleles.
Comment: PIK3R1: BP4, BP7

Blueprint Genetics
Classification: Likely benign. Last evaluated: 2024-11-26. Review status: criteria provided, single submitter. Criteria: ACMG Guidelines, 2015. Collection method: clinical testing. Allele origin: germline.

ARUP Laboratories, Molecular Genetics and Genomics, ARUP Laboratories
Classification: Likely benign. Last evaluated: 2024-04-19. Review status: criteria provided, single submitter. Criteria: ARUP Molecular Germline Variant Investigation Process 2024. Collection method: clinical testing. Allele origin: germline.

Breakthrough Genomics
Classification: Likely benign. Review status: criteria provided, single submitter. Criteria: ACMG Guidelines, 2015. Collection method: not provided. Allele origin: germline. Inheritance: Autosomal recessive inheritance. Affected: yes.

Clinical Genetics DNA and cytogenetics Diagnostics Lab, Erasmus MC, Erasmus Medical Center
Classification: Likely benign. Review status: no assertion criteria provided. Collection method: clinical testing. Allele origin: germline. Affected: yes. Study: VKGL Data-share Consensus. Not counted in ClinVar's aggregate classification.

Genome Diagnostics Laboratory, University Medical Center Utrecht
Classification: Likely benign. Review status: no assertion criteria provided. Collection method: clinical testing. Allele origin: germline. Affected: yes. Study: VKGL Data-share Consensus. Not counted in ClinVar's aggregate classification.